The following is an entry in ClinVar:

ClinVar aggregate classification (germline): Likely pathogenic (1 of 4 stars; one submission).

Conditions:
Muscular dystrophy-dystroglycanopathy type B6 (MDDGB6). Also called: MUSCULAR DYSTROPHY-DYSTROGLYCANOPATHY (CONGENITAL WITH IMPAIRED INTELLECTUAL DEVELOPMENT), TYPE B, 6; MUSCULAR DYSTROPHY, CONGENITAL, LARGE-RELATED; MUSCULAR DYSTROPHY, CONGENITAL, TYPE 1D. Identifiers: MedGen C1837229, MONDO:0012138, OMIM 608840.

Submission:

Labcorp Genetics (formerly Invitae), Labcorp
Classification: Likely pathogenic for Muscular dystrophy-dystroglycanopathy type B6. Last evaluated: 2023-02-08. Review status: criteria provided, single submitter. Criteria: Invitae Variant Classification Sherloc (09022015). Collection method: clinical testing. Allele origin: unknown.
Comment: This variant results in a copy number gain of the genomic region encompassing exon(s) 7-8 of the LARGE1 gene. While the exact position of this variant cannot be determined from the data, sub-genic copy number gains are generally in tandem (PMID: 25640679). This variant is predicted to be out-of-frame, and may result in an absent or disrupted protein product. Loss-of-function variants in LARGE1 are known to be pathogenic (PMID: 12966029, 17878207). This variant has not been reported in the literature in individuals affected with LARGE1-related conditions. In summary, the currently available evidence indicates that the variant is pathogenic, but additional data are needed to prove that conclusively. Therefore, this variant has been classified as Likely Pathogenic.

Literature cited by the submitters: PubMed 25640679; PubMed 12966029; PubMed 17878207.

NC_000022.10:g.(?_33828127)_(33961025_?)dup

Gene: LARGE1 (LARGE xylosyl- and glucuronyltransferase 1; minus strand). Cytogenetic location: 22q12.3.
Variant type: Duplication.
Identifiers: ClinVar variation 3247702 (VCV003247702.1).